The following is an entry in ClinVar:

NM_001199753.2(CPT1C):c.1309G>A (p.Ala437Thr)

Gene: CPT1C (carnitine palmitoyltransferase 1C; plus strand). Cytogenetic location: 19q13.33.
Variant type: single nucleotide variant.
Coding change: c.1309G>A on transcript NM_001199753.2 (MANE Select); coding-DNA position 1309, G replaced by A.
Protein change: p.Ala437Thr; replaces alanine 437 with threonine.
Molecular consequence: missense variant. On other transcripts: non-coding transcript variant (1).
Genome position (GRCh38, 1-based): chr19:49,706,379, G>A. VCF-style: chr19-49706379-G-A. GRCh37 (hg19) VCF-style: chr19-50209636-G-A.
Other names: c.1276G>A, p.Ala426Thr (NM_001136052.3, NM_001378485.1, NM_001378487.1); c.1309G>A, p.Ala437Thr (NM_001199752.3, NM_001378483.1, NM_001378484.1 and 3 more transcripts); c.1375G>A, p.Ala459Thr (NM_001378482.1); short protein forms A437T, A426T, A459T.
Identifiers: ClinVar variation 4751992 (VCV004751992.1).

ClinVar aggregate classification (germline): Uncertain significance (1 of 4 stars; one submission).

Conditions:
Hereditary spastic paraplegia 73. Also called: Spastic paraplegia 73, autosomal dominant. Identifiers: Orphanet 444099, MedGen C5568981, MONDO:0014568, OMIM 616282.

gnomAD v4.1: 14 of 1,507,404 alleles (0.00093%); highest among the groups gnomAD compares: Non-Finnish European, 0.0012%; no homozygotes.

Submission:

Labcorp Genetics (formerly Invitae), Labcorp
Classification: Uncertain significance for Hereditary spastic paraplegia 73. Last evaluated: 2025-04-16. Review status: criteria provided, single submitter. Criteria: Invitae Variant Classification Sherloc (09022015). Collection method: clinical testing. Allele origin: germline.
Comment: This sequence change replaces alanine, which is neutral and non-polar, with threonine, which is neutral and polar, at codon 426 of the CPT1C protein (p.Ala426Thr). This variant is not present in population databases (gnomAD no frequency). This variant has not been reported in the literature in individuals affected with CPT1C-related conditions. Invitae Evidence Modeling of protein sequence and biophysical properties (such as structural, functional, and spatial information, amino acid conservation, physicochemical variation, residue mobility, and thermodynamic stability) indicates that this missense variant is not expected to disrupt CPT1C protein function with a negative predictive value of 80%. In summary, the available evidence is currently insufficient to determine the role of this variant in disease. Therefore, it has been classified as a Variant of Uncertain Significance.